The following is an entry in ClinVar:

ClinVar aggregate classification (germline): Likely benign. Review status: criteria provided, multiple submitters, no conflicts (2 of 4 stars). 3 submissions from 3 submitters: Likely benign (3). Last evaluated 2025-09-27.

Conditions:
Dilated cardiomyopathy 1G (CMD1G). Identifiers: Orphanet 154, MedGen C1858763, MONDO:0011400, OMIM 604145.
Autosomal recessive limb-girdle muscular dystrophy type 2J (LGMDR10). Also called: MUSCULAR DYSTROPHY, LIMB-GIRDLE, AUTOSOMAL RECESSIVE 10; Limb-girdle muscular dystrophy, type 2J. Identifiers: Orphanet 140922, MedGen C1837342, MONDO:0012127, OMIM 608807.
Cardiovascular phenotype. Identifiers: MedGen CN230736.

Allele frequency attached by ClinVar (database versions not stated): gnomAD exomes below 0.00001; ExAC 0.00001; gnomAD 0.00001; 1000 Genomes Project 30x 0.00016; 1000 Genomes Project 0.00020.
gnomAD v4.1: 3 of 1,613,370 alleles (0.00019%); highest among the groups gnomAD compares: South Asian, 0.0033%; no homozygotes.

Submissions (3):

Labcorp Genetics (formerly Invitae), Labcorp
Classification: Likely benign for Dilated cardiomyopathy 1G; Autosomal recessive limb-girdle muscular dystrophy type 2J. Last evaluated: 2025-09-27. Review status: criteria provided, single submitter. Criteria: Invitae Variant Classification Sherloc (09022015). Collection method: clinical testing. Allele origin: germline.

Ambry Genetics
Classification: Likely benign for Cardiovascular phenotype. Last evaluated: 2024-06-07. Review status: criteria provided, single submitter. Criteria: Ambry Variant Classification Scheme 2023. Collection method: clinical testing. Allele origin: germline.

GeneDx
Classification: Likely benign. Last evaluated: 2016-09-29. Review status: criteria provided, single submitter. Criteria: GeneDx Variant Classification (06012015). Collection method: clinical testing. Allele origin: germline. Affected: yes.
Comment: This variant is considered likely benign or benign based on one or more of the following criteria: it is a conservative change, it occurs at a poorly conserved position in the protein, it is predicted to be benign by multiple in silico algorithms, and/or has population frequency not consistent with disease.

NM_001267550.2(TTN):c.77460A>C (p.Pro25820=)

Genes: TTN-AS1 (TTN antisense RNA 1; plus strand), TTN (titin; minus strand). Cytogenetic location: 2q31.2.
Variant type: single nucleotide variant.
Coding change: c.77460A>C on transcript NM_001267550.2 (MANE Select); coding-DNA position 77460, A replaced by C.
Protein change: p.Pro25820=; no amino-acid change (proline 25820 retained).
Molecular consequence: synonymous variant.
Genome position (GRCh38, 1-based): chr2:178,568,672, T>G on the plus strand (A>C on the coding strand, the complement: TTN is on the minus strand). VCF-style: chr2-178568672-T-G. GRCh37 (hg19) VCF-style: chr2-179433399-T-G.
Other names: c.72537A>C, p.Pro24179= (NM_001256850.1); c.50265A>C, p.Pro16755= (NM_003319.4); c.69756A>C, p.Pro23252= (NM_133378.4); c.50640A>C, p.Pro16880= (NM_133432.3); c.50841A>C, p.Pro16947= (NM_133437.4).
Identifiers: ClinVar variation 389580 (VCV000389580.11), dbSNP rs576663532, ClinGen allele CA1989770.